The following is an entry in ClinVar:

ClinVar aggregate classification (germline): Uncertain significance (1 of 4 stars; one submission).

Conditions:
Waardenburg syndrome type 2A (WS2A). Also called: WAARDENBURG SYNDROME WITHOUT DYSTOPIA CANTHORUM. Identifiers: Orphanet 3440, MedGen C1860339, MONDO:0008671, OMIM 193510.
Tietz syndrome (TADS). Also called: ALBINISM-DEAFNESS OF TIETZ; HYPOPIGMENTATION/DEAFNESS OF TIETZ; TIETZ ALBINISM-DEAFNESS SYNDROME. Identifiers: Orphanet 42665, MedGen C0391816, MONDO:0007077, OMIM 103500.
Melanoma, cutaneous malignant, susceptibility to, 8. Also called: MELANOMA AND RENAL CELL CARCINOMA, SUSCEPTIBILITY TO; Cutaneous malignant melanoma 8. Identifiers: Orphanet 293822, MedGen C3152204, MONDO:0013759, OMIM 614456.

gnomAD v4.1: 1 of 1,613,798 alleles (0.000062%); highest among the groups gnomAD compares: Non-Finnish European, 0.000085%; no homozygotes.

Submission:

Labcorp Genetics (formerly Invitae), Labcorp
Classification: Uncertain significance for Melanoma, cutaneous malignant, susceptibility to, 8; Waardenburg syndrome type 2A; Tietz syndrome. Last evaluated: 2024-12-24. Review status: criteria provided, single submitter. Criteria: Invitae Variant Classification Sherloc (09022015). Collection method: clinical testing. Allele origin: germline.
Comment: This sequence change replaces cysteine, which is neutral and slightly polar, with tyrosine, which is neutral and polar, at codon 113 of the MITF protein (p.Cys113Tyr). This variant is not present in population databases (gnomAD no frequency). This variant has not been reported in the literature in individuals affected with MITF-related conditions. An algorithm developed to predict the effect of missense changes on protein structure and function (PolyPhen-2) suggests that this variant is likely to be tolerated. In summary, the available evidence is currently insufficient to determine the role of this variant in disease. Therefore, it has been classified as a Variant of Uncertain Significance.

NM_001354604.2(MITF):c.659G>A (p.Cys220Tyr)

Gene: MITF (melanocyte inducing transcription factor; plus strand). Cytogenetic location: 3p13.
Variant type: single nucleotide variant.
Coding change: c.659G>A on transcript NM_001354604.2 (MANE Select); coding-DNA position 659, G replaced by A.
Protein change: p.Cys220Tyr; replaces cysteine 220 with tyrosine.
Molecular consequence: missense variant.
Genome position (GRCh38, 1-based): chr3:69,939,174, G>A. VCF-style: chr3-69939174-G-A. GRCh37 (hg19) VCF-style: chr3-69988325-G-A.
Other names: c.338G>A, p.Cys113Tyr (NM_000248.4, NM_198158.3); c.503G>A, p.Cys168Tyr (NM_001184967.2, NM_001354608.2); c.656G>A, p.Cys219Tyr (NM_001354605.2, NM_001354606.2, NM_006722.3); c.608G>A, p.Cys203Tyr (NM_001354607.2); c.659G>A, p.Cys220Tyr (NM_198159.3); c.611G>A, p.Cys204Tyr (NM_198177.3); c.170G>A, p.Cys57Tyr (NM_198178.3); short protein forms C113Y, C168Y, C203Y, C204Y, C219Y, C220Y, C57Y.
Identifiers: ClinVar variation 3752476 (VCV003752476.2).
Genomic context (GRCh38, chr3:69,939,174, plus strand): 5'-AAGAGCAAAACAGGGCAGAGAGCGAGTGCCCAGGCATGAACACACATTCACGAGCGTCCT[G>A]TATGCAGGTACTGAATGACTTGGCAGCCTGAGGATGAACACTTTGTAATGAGAATCTATA-3'
Protein context (NP_001341533.1, residues 210-230): PGMNTHSRAS[Cys220Tyr]MQMDDVIDDI